The following is an entry in ClinVar:

NM_000350.3(ABCA4):c.1821G>A (p.Gly607=)

Gene: ABCA4 (ATP binding cassette subfamily A member 4; minus strand). Cytogenetic location: 1p22.1.
Variant type: single nucleotide variant.
Coding change: c.1821G>A on transcript NM_000350.3 (MANE Select); coding-DNA position 1821, G replaced by A.
Protein change: p.Gly607=; no amino-acid change (glycine 607 retained).
Molecular consequence: synonymous variant.
Genome position (GRCh38, 1-based): chr1:94,062,693, C>T on the plus strand (G>A on the coding strand, the complement: ABCA4 is on the minus strand). VCF-style: chr1-94062693-C-T. GRCh37 (hg19) VCF-style: chr1-94528249-C-T.
Other names: c.1821G>A, p.Gly607= (NM_001425324.1).
Identifiers: ClinVar variation 874899 (VCV000874899.9), dbSNP rs201059645, ClinGen allele CA26848205.

ClinVar aggregate classification (germline): Conflicting classifications of pathogenicity. Review status: criteria provided, conflicting classifications (1 of 4 stars). 3 submissions from 3 submitters: Uncertain significance (1); Likely benign (2). Last evaluated 2025-11-06.

Conditions:
ABCA4-related disorder. Also called: ABCA4-related disorders; ABCA4-related condition. Identifiers: MedGen CN239167.

Allele frequency attached by ClinVar (database versions not stated): gnomAD 0.00001; TOPMed 0.00001; gnomAD exomes 0.00002.
gnomAD v4.1: 22 of 1,614,050 alleles (0.0014%); highest among the groups gnomAD compares: Non-Finnish European, 0.0018%; no homozygotes.

Submissions (3):

PreventionGenetics, part of Exact Sciences
Classification: Likely benign for ABCA4-related condition. Last evaluated: 2025-11-06. Review status: criteria provided, single submitter. Criteria: ACMG Guidelines, 2015. Collection method: clinical testing. Allele origin: germline.
Comment: This variant is classified as likely benign based on ACMG/AMP sequence variant interpretation guidelines (Richards et al. 2015 PMID: 25741868, with internal and published modifications).

Labcorp Genetics (formerly Invitae), Labcorp
Classification: Likely benign. Last evaluated: 2023-07-28. Review status: criteria provided, single submitter. Criteria: Invitae Variant Classification Sherloc (09022015). Collection method: clinical testing. Allele origin: germline.

Illumina Laboratory Services, Illumina
Classification: Uncertain significance for ABCA4-Related Disorders. Last evaluated: 2018-01-13. Review status: criteria provided, single submitter. Criteria: ICSL Variant Classification Criteria 13 December 2019. Collection method: clinical testing. Allele origin: germline.